The following is an entry in ClinVar:

ClinVar aggregate classification (germline): Uncertain significance. Review status: criteria provided, multiple submitters, no conflicts (2 of 4 stars). 2 submissions from 2 submitters: Uncertain significance (2). Last evaluated 2021-09-03.

Conditions:
RCBTB1-related retinopathy. Also called: Retinal dystrophy with or without extraocular anomalies. Identifiers: MedGen C4310680, MONDO:0014955, OMIM 617175.

Allele frequency attached by ClinVar (database versions not stated): gnomAD exomes below 0.00001.

Submissions (2):

Department of Pathology and Laboratory Medicine, Sinai Health System
Classification: Uncertain significance for RCBTB1-related retinopathy. Last evaluated: 2021-09-03. Review status: criteria provided, single submitter. Criteria: ACMG Guidelines, 2015. Collection method: research. Allele origin: germline.

Labcorp Genetics (formerly Invitae), Labcorp
Classification: Uncertain significance. Last evaluated: 2019-09-27. Review status: criteria provided, single submitter. Criteria: Invitae Variant Classification Sherloc (09022015). Collection method: clinical testing. Allele origin: germline.
Comment: In summary, the available evidence is currently insufficient to determine the role of this variant in disease. Therefore, it has been classified as a Variant of Uncertain Significance. Algorithms developed to predict the effect of missense changes on protein structure and function are either unavailable or do not agree on the potential impact of this missense change (SIFT: "Deleterious"; PolyPhen-2: "Benign"; Align-GVGD: "Class C0"). This variant has not been reported in the literature in individuals with RCBTB1-related conditions. This variant is not present in population databases (ExAC no frequency). This sequence change replaces leucine with valine at codon 515 of the RCBTB1 protein (p.Leu515Val). The leucine residue is highly conserved and there is a small physicochemical difference between leucine and valine.

NM_018191.4(RCBTB1):c.1543C>G (p.Leu515Val)

Gene: RCBTB1 (RCC1 and BTB domain containing protein 1; minus strand). Cytogenetic location: 13q14.2.
Variant type: single nucleotide variant.
Coding change: c.1543C>G on transcript NM_018191.4 (MANE Select); coding-DNA position 1543, C replaced by G.
Protein change: p.Leu515Val; replaces leucine 515 with valine.
Molecular consequence: missense variant. On other transcripts: non-coding transcript variant (2).
Genome position (GRCh38, 1-based): chr13:49,534,175, G>C on the plus strand (C>G on the coding strand, the complement: RCBTB1 is on the minus strand). VCF-style: chr13-49534175-G-C. GRCh37 (hg19) VCF-style: chr13-50108311-G-C.
Other names: c.1543C>G, p.Leu515Val (NM_001352500.2, NM_001352501.2, NM_001352502.2 and 1 more transcripts); c.964C>G, p.Leu322Val (NM_001352506.2); short protein forms L515V, L322V.
Identifiers: ClinVar variation 962426 (VCV000962426.10), dbSNP rs1375754951, ClinGen allele CA388185034.